The following is an entry in ClinVar:

NM_182972.3(IRF2BP2):c.650C>G (p.Ser217Cys)

Genes: IRF2BP2 (interferon regulatory factor 2 binding protein 2; minus strand), LOC129932811 (ATAC-STARR-seq lymphoblastoid silent region 1976; plus strand). Cytogenetic location: 1q42.3.
Variant type: single nucleotide variant.
Coding change: c.650C>G on transcript NM_182972.3 (MANE Select); coding-DNA position 650, C replaced by G.
Protein change: p.Ser217Cys; replaces serine 217 with cysteine.
Molecular consequence: missense variant.
Genome position (GRCh38, 1-based): chr1:234,608,845, G>C on the plus strand (C>G on the coding strand, the complement: IRF2BP2 is on the minus strand). VCF-style: chr1-234608845-G-C. GRCh37 (hg19) VCF-style: chr1-234744591-G-C.
Other names: c.650C>G, p.Ser217Cys (NM_001077397.1); short protein forms S217C.
Identifiers: ClinVar variation 2876017 (VCV002876017.4), dbSNP rs2528520886, ClinGen allele CA345309123.

ClinVar aggregate classification (germline): Uncertain significance. Review status: criteria provided, multiple submitters, no conflicts (2 of 4 stars). 2 submissions from 2 submitters: Uncertain significance (2). Last evaluated 2024-09-30.

Allele frequency attached by ClinVar (database versions not stated): gnomAD exomes below 0.00001.
gnomAD v4.1: 1 of 1,338,726 alleles (0.000075%); highest among the groups gnomAD compares: Admixed American, 0.0041%; no homozygotes.

Submissions (2):

Blueprint Genetics
Classification: Uncertain significance. Last evaluated: 2024-09-30. Review status: criteria provided, single submitter. Criteria: ACMG Guidelines, 2015. Collection method: clinical testing. Allele origin: germline.

Labcorp Genetics (formerly Invitae), Labcorp
Classification: Uncertain significance. Last evaluated: 2023-05-20. Review status: criteria provided, single submitter. Criteria: Invitae Variant Classification Sherloc (09022015). Collection method: clinical testing. Allele origin: germline.
Comment: This sequence change replaces serine, which is neutral and polar, with cysteine, which is neutral and slightly polar, at codon 217 of the IRF2BP2 protein (p.Ser217Cys). This variant is not present in population databases (gnomAD no frequency). This variant has not been reported in the literature in individuals affected with IRF2BP2-related conditions. An algorithm developed to predict the effect of missense changes on protein structure and function (PolyPhen-2) suggests that this variant is likely to be tolerated. In summary, the available evidence is currently insufficient to determine the role of this variant in disease. Therefore, it has been classified as a Variant of Uncertain Significance.